The following is an entry in ClinVar:

NM_206933.4(USH2A):c.568A>G (p.Thr190Ala)

Gene: USH2A (usherin; minus strand). Cytogenetic location: 1q41.
Variant type: single nucleotide variant.
Coding change: c.568A>G on transcript NM_206933.4 (MANE Select); coding-DNA position 568, A replaced by G.
Protein change: p.Thr190Ala; replaces threonine 190 with alanine.
Molecular consequence: missense variant.
Genome position (GRCh38, 1-based): chr1:216,418,597, T>C on the plus strand (A>G on the coding strand, the complement: USH2A is on the minus strand). VCF-style: chr1-216418597-T-C. GRCh37 (hg19) VCF-style: chr1-216591939-T-C.
Other names: c.568A>G, p.Thr190Ala (NM_007123.6); short protein forms T190A.
Identifiers: ClinVar variation 2177836 (VCV002177836.1), dbSNP rs768142940, ClinGen allele CA344902504.

ClinVar aggregate classification (germline): Uncertain significance (1 of 4 stars; one submission).

Allele frequency attached by ClinVar (database versions not stated): gnomAD exomes below 0.00001.
gnomAD v4.1: 1 of 1,613,398 alleles (0.000062%); highest among the groups gnomAD compares: Admixed American, 0.0017%; no homozygotes.

Submission:

Labcorp Genetics (formerly Invitae), Labcorp
Classification: Uncertain significance. Last evaluated: 2022-07-18. Review status: criteria provided, single submitter. Criteria: Invitae Variant Classification Sherloc (09022015). Collection method: clinical testing. Allele origin: germline.
Comment: This sequence change replaces threonine, which is neutral and polar, with alanine, which is neutral and non-polar, at codon 190 of the USH2A protein (p.Thr190Ala). This variant is present in population databases (no rsID available, gnomAD 0.003%). This variant has not been reported in the literature in individuals affected with USH2A-related conditions. Algorithms developed to predict the effect of missense changes on protein structure and function are either unavailable or do not agree on the potential impact of this missense change (SIFT: "Deleterious"; PolyPhen-2: "Possibly Damaging"; Align-GVGD: "Class C0"). In summary, the available evidence is currently insufficient to determine the role of this variant in disease. Therefore, it has been classified as a Variant of Uncertain Significance.